The following is an entry in ClinVar:

NM_001171.6(ABCC6):c.2875G>C (p.Val959Leu)

Gene: ABCC6 (ATP binding cassette subfamily C member 6; minus strand). Cytogenetic location: 16p13.11.
Variant type: single nucleotide variant.
Coding change: c.2875G>C on transcript NM_001171.6 (MANE Select); coding-DNA position 2875, G replaced by C.
Protein change: p.Val959Leu; replaces valine 959 with leucine.
Molecular consequence: missense variant. On other transcripts: non-coding transcript variant (1).
Genome position (GRCh38, 1-based): chr16:16,169,766, C>G on the plus strand (G>C on the coding strand, the complement: ABCC6 is on the minus strand). VCF-style: chr16-16169766-C-G. GRCh37 (hg19) VCF-style: chr16-16263623-C-G.
Other names: c.2533G>C, p.Val845Leu (NM_001351800.1); short protein forms V845L, V959L.
Identifiers: ClinVar variation 1950724 (VCV001950724.2), dbSNP rs1283030742, ClinGen allele CA394884773.

ClinVar aggregate classification (germline): Uncertain significance (1 of 4 stars; one submission).

Allele frequency attached by ClinVar (database versions not stated): TOPMed 0.00001.
gnomAD v4.1: 4 of 1,598,276 alleles (0.00025%); highest among the groups gnomAD compares: Middle Eastern, 0.034%; no homozygotes.

Submission:

Labcorp Genetics (formerly Invitae), Labcorp
Classification: Uncertain significance. Last evaluated: 2022-06-12. Review status: criteria provided, single submitter. Criteria: Invitae Variant Classification Sherloc (09022015). Collection method: clinical testing. Allele origin: germline.
Comment: This sequence change replaces valine, which is neutral and non-polar, with leucine, which is neutral and non-polar, at codon 959 of the ABCC6 protein (p.Val959Leu). This variant is present in population databases (no rsID available, gnomAD 0.001%). This variant has not been reported in the literature in individuals affected with ABCC6-related conditions. Advanced modeling of protein sequence and biophysical properties (such as structural, functional, and spatial information, amino acid conservation, physicochemical variation, residue mobility, and thermodynamic stability) performed at Invitae indicates that this missense variant is not expected to disrupt ABCC6 protein function. In summary, the available evidence is currently insufficient to determine the role of this variant in disease. Therefore, it has been classified as a Variant of Uncertain Significance.